The following is an entry in ClinVar:

ClinVar aggregate classification (germline): Likely benign. Review status: criteria provided, multiple submitters, no conflicts (2 of 4 stars). 6 submissions from 6 submitters: Likely benign (5). 1 of the submissions does not count toward it. Last evaluated 2026-01-07.

Conditions:
Hereditary cancer-predisposing syndrome. Also called: Hereditary neoplastic syndrome; Hereditary Cancer Syndrome; Neoplastic Syndromes, Hereditary; Tumor predisposition. Identifiers: Orphanet 140162, MedGen C0027672, MeSH D009386, MONDO:0015356.
Hereditary breast ovarian cancer syndrome. Also called: Hereditary breast and ovarian cancer syndrome (HBOC); Hereditary breast and ovarian cancer syndrome; Hereditary breast and ovarian cancer; BRCA1- and BRCA2-Associated Hereditary Breast and Ovarian Cancer; Breast and ovarian cancer; Hereditary breast and/or ovarian cancer syndrome. Identifiers: Orphanet 145, MedGen C0677776, MeSH D061325, MONDO:0003582. Disease mechanism: loss of function.

Submissions (6):

Labcorp Genetics (formerly Invitae), Labcorp
Classification: Likely benign for Hereditary breast ovarian cancer syndrome. Last evaluated: 2026-01-07. Review status: criteria provided, single submitter. Criteria: Invitae Variant Classification Sherloc (09022015). Collection method: clinical testing. Allele origin: germline.

Color Diagnostics, LLC DBA Color Health
Classification: Likely benign for Hereditary cancer-predisposing syndrome. Last evaluated: 2024-05-13. Review status: criteria provided, single submitter. Criteria: ACMG Guidelines, 2015. Collection method: clinical testing. Allele origin: germline.

Quest Diagnostics Nichols Institute San Juan Capistrano
Classification: Likely benign. Last evaluated: 2022-10-25. Review status: criteria provided, single submitter. Criteria: Quest Diagnostics criteria. Collection method: clinical testing. Allele origin: unknown.

Women's Health and Genetics/Laboratory Corporation of America, LabCorp
Classification: Likely benign. Last evaluated: 2022-07-11. Review status: criteria provided, single submitter. Criteria: LabCorp Variant Classification Summary - May 2015. Collection method: clinical testing. Allele origin: germline.
Comment: Variant summary: BRCA2 c.7618-6G>T alters a non-conserved nucleotide located close to a canonical splice site and therefore could affect mRNA splicing, leading to a significantly altered protein sequence. 4/4 computational tools predict no significant impact on normal splicing. Experimental evidence supports these predictions indicating no effect on splicing following cDNA analysis in patient samples (Baert_2018). The variant was absent in 249062 control chromosomes (gnomAD). The available data on variant occurrences in the general population are insufficient to allow any conclusion about variant significance. c.7618-6G>T has been reported in the literature in at least one individual affected with Hereditary Breast and Ovarian Cancer (e.g. Bosdet_2013). These report(s) do not provide unequivocal conclusions about association of the variant with Hereditary Breast and Ovarian Cancer Syndrome. Two ClinVar submitters (evaluation after 2014) cite the variant as likely benign. Based on the evidence outlined above, the variant was classified as likely benign.

GeneDx
Classification: Likely benign. Last evaluated: 2016-08-01. Review status: criteria provided, single submitter. Criteria: GeneDx Variant Classification (06012015). Collection method: clinical testing. Allele origin: germline. Affected: yes.
Comment: This variant is considered likely benign or benign based on one or more of the following criteria: it is a conservative change, it occurs at a poorly conserved position in the protein, it is predicted to be benign by multiple in silico algorithms, and/or has population frequency not consistent with disease.

Department of Pathology and Laboratory Medicine, Sinai Health System
Classification: Uncertain significance. Review status: no assertion criteria provided. Collection method: clinical testing. Allele origin: unknown. Affected: yes. Study: The Canadian Open Genetics Repository (COGR). Not counted in ClinVar's aggregate classification.
Comment: The c.7618-6G>T variant has not been previously observed in the literature, nor has it been or been reported in the LOVD, Exome Variant Server or UMD databases. The variant is located in the 3' splice region but does not affect the invariant -1 and -2 positions. However, positions -3 and -5 to -12 are part of the splicing consensus sequence and variants involving these positions sometimes affect splicing. Computational or in-silico analyses do not demonstrate altered splicing in any of the splice prediction programs (SpliceSiteFinder-like, MaxEntScan, NNSPLICE, HumanSpliceFinder, GeneSplicer), increasing the possibility that this may be a benign variant. However, this information is not predictive enough to rule out pathogenicity. In summary, based on the above information the clinical significance of this variant cannot be determined at this time. Therefore this variant is a variant of unknown significance.

Literature cited by the submitters: PubMed 29280214 (cited by Quest Diagnostics Nichols Institute San Juan Capistrano and Women's Health and Genetics/Laboratory Corporation of America, LabCorp); PubMed 24094589 (cited by Women's Health and Genetics/Laboratory Corporation of America, LabCorp).

NM_000059.4(BRCA2):c.7618-6G>T

Gene: BRCA2 (BRCA2 DNA repair associated; plus strand). Cytogenetic location: 13q13.1.
Variant type: single nucleotide variant.
Coding change: c.7618-6G>T on transcript NM_000059.4 (MANE Select); 6 bases into the intron before coding-DNA position 7618, G replaced by T.
Molecular consequence: intron variant.
Genome position (GRCh38, 1-based): chr13:32,357,736, G>T. VCF-style: chr13-32357736-G-T. GRCh37 (hg19) VCF-style: chr13-32931873-G-T.
Identifiers: ClinVar variation 377583 (VCV000377583.15), dbSNP rs1057520251, ClinGen allele CA16606702.